The following is an entry in ClinVar:

ClinVar aggregate classification (germline): Uncertain significance (1 of 4 stars; one submission).

gnomAD v4.1: 25 of 1,611,512 alleles (0.0016%); highest among the groups gnomAD compares: Admixed American, 0.0033%; no homozygotes.

Submission:

Labcorp Genetics (formerly Invitae), Labcorp
Classification: Uncertain significance. Last evaluated: 2022-10-13. Review status: criteria provided, single submitter. Criteria: Invitae Variant Classification Sherloc (09022015). Collection method: clinical testing. Allele origin: germline.
Comment: This sequence change replaces arginine, which is basic and polar, with glutamine, which is neutral and polar, at codon 1089 of the DIAPH3 protein (p.Arg1089Gln). This variant is present in population databases (rs759456145, gnomAD 0.003%). ClinVar contains an entry for this variant (Variation ID: 1393230). This variant has not been reported in the literature in individuals affected with DIAPH3-related conditions. Algorithms developed to predict the effect of missense changes on protein structure and function output the following: SIFT: "Tolerated"; PolyPhen-2: "Benign"; Align-GVGD: "Class C0". The glutamine amino acid residue is found in multiple mammalian species, which suggests that this missense change does not adversely affect protein function. In summary, the available evidence is currently insufficient to determine the role of this variant in disease. Therefore, it has been classified as a Variant of Uncertain Significance.

NM_001042517.2(DIAPH3):c.3266G>A (p.Arg1089Gln)

Gene: DIAPH3 (diaphanous related formin 3; minus strand). Cytogenetic location: 13q21.2.
Variant type: single nucleotide variant.
Coding change: c.3266G>A on transcript NM_001042517.2 (MANE Select); coding-DNA position 3266, G replaced by A.
Protein change: p.Arg1089Gln; replaces arginine 1089 with glutamine.
Molecular consequence: missense variant.
Genome position (GRCh38, 1-based): chr13:59,774,242, C>T on the plus strand (G>A on the coding strand, the complement: DIAPH3 is on the minus strand). VCF-style: chr13-59774242-C-T. GRCh37 (hg19) VCF-style: chr13-60348376-C-T.
Other names: c.3233G>A, p.Arg1078Gln (NM_001258366.2); c.3128G>A, p.Arg1043Gln (NM_001258367.2); c.3056G>A, p.Arg1019Gln (NM_001258368.2); c.3266G>A, p.Arg1089Gln (NM_001258369.2); c.2477G>A, p.Arg826Gln (NM_030932.4); short protein forms R1019Q, R1043Q, R1078Q, R1089Q, R826Q.
Identifiers: ClinVar variation 1393230 (VCV001393230.8), dbSNP rs759456145, ClinGen allele CA6996084.
Genomic context (GRCh38, chr13:59,774,242, plus strand): 5'-TTATTACCATGGTTACAAACTTTCAGAACAGGCCTCTGAGACATTGGACTGAGACTCTGC[C>T]GAACATCTGTTAAAAAAAAAAATAAAATAAACTTAATATAGAGGTCTGGGCATCTCAAGA-3'
Protein context (NP_001035982.1, residues 1079-1099): RKRTPMPKDV[Arg1089Gln]QSLSPMSQRP